The following is an entry in ClinVar:

ClinVar aggregate classification (germline): Benign/Likely benign. Review status: criteria provided, multiple submitters, no conflicts (2 of 4 stars). 8 submissions from 8 submitters: Benign (3); Likely benign (5). Last evaluated 2026-02-03.

Conditions:
Breast and/or ovarian cancer. Identifiers: MedGen CN221562.
Hereditary cancer-predisposing syndrome. Also called: Hereditary Cancer Syndrome; Hereditary neoplastic syndrome; Tumor predisposition; Neoplastic Syndromes, Hereditary. Identifiers: Orphanet 140162, MedGen C0027672, MeSH D009386, MONDO:0015356.
Familial cancer of breast. Also called: Hereditary breast cancer; hereditary breast carcinoma; BREAST CANCER, FAMILIAL. Identifiers: Orphanet 227535, MedGen C0346153, MONDO:0016419, OMIM 114480. Disease mechanism: loss of function.
Ataxia-telangiectasia syndrome (AT). Also called: Ataxia-telangiectasia, complementation group E; Ataxia-telangiectasia, complementation group D; AT, COMPLEMENTATION GROUP C; ATAXIA-TELANGIECTASIA, COMPLEMENTATION GROUP A; ATAXIA-TELANGIECTASIA, FRESNO VARIANT; Ataxia-telangiectasia. Identifiers: Orphanet 100, MedGen C0004135, MONDO:0008840, OMIM 208900.

Allele frequency attached by ClinVar (database versions not stated): gnomAD 0.00005 and 0.00011; TOPMed 0.00012; ExAC 0.00023; 1000 Genomes Project 30x 0.00094; 1000 Genomes Project 0.00120.
gnomAD v4.1: 135 of 1,611,320 alleles (0.0084%); highest among the groups gnomAD compares: East Asian, 0.17%; no homozygotes.

Submissions (8):

Labcorp Genetics (formerly Invitae), Labcorp
Classification: Benign for Ataxia-telangiectasia syndrome. Last evaluated: 2026-02-03. Review status: criteria provided, single submitter. Criteria: Invitae Variant Classification Sherloc (09022015). Collection method: clinical testing. Allele origin: germline.

Center for Genomic Medicine, Rigshospitalet, Copenhagen University Hospital
Classification: Likely benign. Last evaluated: 2025-03-04. Review status: criteria provided, single submitter. Criteria: ACMG Guidelines, 2015. Collection method: clinical testing. Allele origin: germline.

KCCC/NGS Laboratory, Kuwait Cancer Control Center
Classification: Benign for Familial cancer of breast. Last evaluated: 2025-02-01. Review status: criteria provided, single submitter. Criteria: ACMG Guidelines, 2015. Collection method: clinical testing. Allele origin: germline. Affected: no.

Blueprint Genetics
Classification: Likely benign. Last evaluated: 2024-01-29. Review status: criteria provided, single submitter. Criteria: ACMG Guidelines, 2015. Collection method: clinical testing. Allele origin: germline.

CHEO Genetics Diagnostic Laboratory, Children's Hospital of Eastern Ontario
Classification: Likely benign for Breast and/or ovarian cancer. Last evaluated: 2022-04-13. Review status: criteria provided, single submitter. Criteria: ACMG Guidelines, 2015. Collection method: clinical testing. Allele origin: germline.

Ambry Genetics
Classification: Likely benign for Hereditary cancer-predisposing syndrome. Last evaluated: 2019-10-14. Review status: criteria provided, single submitter. Criteria: Ambry Variant Classification Scheme 2023. Collection method: clinical testing. Allele origin: germline.

GeneDx
Classification: Benign. Last evaluated: 2015-04-13. Review status: criteria provided, single submitter. Criteria: GeneDx Variant Classification (06012015). Collection method: clinical testing. Allele origin: germline. Affected: yes.
Comment: This variant is considered likely benign or benign based on one or more of the following criteria: it is a conservative change, it occurs at a poorly conserved position in the protein, it is predicted to be benign by multiple in silico algorithms, and/or has population frequency not consistent with disease.

Color Diagnostics, LLC DBA Color Health
Classification: Likely benign for Hereditary cancer-predisposing syndrome. Last evaluated: 2015-04-08. Review status: criteria provided, single submitter. Criteria: ACMG Guidelines, 2015. Collection method: clinical testing. Allele origin: germline.

NM_000051.4(ATM):c.2376+20G>C

Gene: ATM (ATM serine/threonine kinase; plus strand). Cytogenetic location: 11q22.3.
Variant type: single nucleotide variant.
Coding change: c.2376+20G>C on transcript NM_000051.4 (MANE Select); 20 bases into the intron after coding-DNA position 2376, G replaced by C.
Molecular consequence: intron variant.
Genome position (GRCh38, 1-based): chr11:108,257,626, G>C. VCF-style: chr11-108257626-G-C. GRCh37 (hg19) VCF-style: chr11-108128353-G-C.
Other names: c.2376+20G>C (NM_001351834.2).
Identifiers: ClinVar variation 377506 (VCV000377506.20), dbSNP rs140364468, ClinGen allele CA6265003.